The following is an entry in ClinVar:

ClinVar aggregate classification (germline): Likely pathogenic. Review status: criteria provided, multiple submitters, no conflicts (2 of 4 stars). 2 submissions from 2 submitters: Likely pathogenic (2). Last evaluated 2023-10-28.

Conditions:
Maple syrup urine disease (MSUD). Identifiers: Orphanet 511, MedGen C0024776, MeSH D008375, MONDO:0009563. Disease mechanism: loss of function.

Allele frequency attached by ClinVar (database versions not stated): gnomAD exomes below 0.00001.
gnomAD v4.1: 2 of 1,614,188 alleles (0.00012%); highest among the groups gnomAD compares: African/African-American, 0.0013%; no homozygotes.

Submissions (2):

Baylor Genetics
Classification: Likely pathogenic for Maple syrup urine disease type 1A. Last evaluated: 2023-10-28. Review status: criteria provided, single submitter. Criteria: ACMG Guidelines, 2015. Collection method: clinical testing. Allele origin: unknown.

Women's Health and Genetics/Laboratory Corporation of America, LabCorp
Classification: Likely pathogenic for Maple syrup urine disease. Last evaluated: 2023-02-16. Review status: criteria provided, single submitter. Criteria: LabCorp Variant Classification Summary - May 2015. Collection method: clinical testing. Allele origin: germline.
Comment: Variant summary: BCKDHA c.32G>A (p.Trp11X) results in a premature termination codon, predicted to cause a truncation of the encoded protein or absence of the protein due to nonsense mediated decay, which are commonly known mechanisms for disease. Truncations downstream of this position have been classified as pathogenic by our laboratory. The variant was absent in 251084 control chromosomes (gnomAD). To our knowledge, no occurrence of c.32G>A in individuals affected with Maple Syrup Urine Disease and no experimental evidence demonstrating its impact on protein function have been reported. No clinical diagnostic laboratories have submitted clinical-significance assessments for this variant to ClinVar after 2014. Based on the evidence outlined above, the variant was classified as likely pathogenic.

NM_000709.4(BCKDHA):c.32G>A (p.Trp11Ter)

Gene: BCKDHA (branched chain keto acid dehydrogenase E1 subunit alpha; plus strand). Cytogenetic location: 19q13.2.
Variant type: single nucleotide variant.
Coding change: c.32G>A on transcript NM_000709.4 (MANE Select); coding-DNA position 32, G replaced by A.
Protein change: p.Trp11Ter; replaces tryptophan 11 with a stop codon.
Molecular consequence: nonsense.
Genome position (GRCh38, 1-based): chr19:41,397,859, G>A. VCF-style: chr19-41397859-G-A. GRCh37 (hg19) VCF-style: chr19-41903764-G-A.
Other names: c.32G>A, p.Trp11Ter (NM_001164783.2); c.32G>A (NM_000709.3); short protein forms W11*.
Identifiers: ClinVar variation 2445876 (VCV002445876.2), dbSNP rs2513443827, ClinGen allele CA406023144.